The following is an entry in ClinVar:

ClinVar aggregate classification (germline): Uncertain significance (1 of 4 stars; one submission).

Conditions:
Retinitis pigmentosa 97 (RP97). Identifiers: MedGen C5830579, MONDO:0957314, OMIM 620422.

Submission:

3billion
Classification: Uncertain significance for Retinitis pigmentosa 97. Last evaluated: 2025-12-23. Review status: criteria provided, single submitter. Criteria: ACMG Guidelines, 2015. Collection method: clinical testing. Allele origin: germline. Affected: yes.
Comment: The variant is not observed in the gnomAD v4.1.0 dataset. Predicted Consequence/Location: Intron variant In silico tools predict the variant to alter splicing and produce an abnormal transcript [SpliceAI: 0.45 (>=0.2, moderate evidence for spliceogenicity)]. Therefore, this variant is classified as VUS according to the recommendation of ACMG/AMP guideline.

NM_015058.2(VWA8):c.2349+5075G>C

Gene: VWA8 (von Willebrand factor A domain containing 8; minus strand). Cytogenetic location: 13q14.11.
Variant type: single nucleotide variant.
Coding change: c.2349+5075G>C on transcript NM_015058.2 (MANE Select); 5075 bases into the intron after coding-DNA position 2349, G replaced by C.
Molecular consequence: intron variant.
Genome position (GRCh38, 1-based): chr13:41,772,910, C>G on the plus strand (G>C on the coding strand, the complement: VWA8 is on the minus strand). VCF-style: chr13-41772910-C-G. GRCh37 (hg19) VCF-style: chr13-42347046-C-G.
Other names: c.2349+5075G>C (NM_001009814.2).
Identifiers: ClinVar variation 4854353 (VCV004854353.1).
Genomic context (GRCh38, chr13:41,772,910, plus strand): 5'-AAAAGGTGAAATTGGGTTTAGTAAAGATGTTAAACCTTCAGATACCTCAAAATCAGCACC[C>G]ATTTTCTTTAATTTCCTCATTGTAAAAGTTGCCACTGGTAACAGAGCAGTCTTGTAAAAC-3'